The following is an entry in ClinVar:

NM_004714.3(DYRK1B):c.1761G>A (p.Pro587=)

Gene: DYRK1B (dual specificity tyrosine phosphorylation regulated kinase 1B; minus strand). Cytogenetic location: 19q13.2.
Variant type: single nucleotide variant.
Coding change: c.1761G>A on transcript NM_004714.3 (MANE Select); coding-DNA position 1761, G replaced by A.
Protein change: p.Pro587=; no amino-acid change (proline 587 retained).
Molecular consequence: synonymous variant.
Genome position (GRCh38, 1-based): chr19:39,825,844, C>T on the plus strand (G>A on the coding strand, the complement: DYRK1B is on the minus strand). VCF-style: chr19-39825844-C-T. GRCh37 (hg19) VCF-style: chr19-40316484-C-T.
Other names: c.1641G>A, p.Pro547= (NM_006483.3); c.1677G>A, p.Pro559= (NM_006484.3).
Identifiers: ClinVar variation 3352100 (VCV003352100.1).

ClinVar aggregate classification (germline): Likely benign (0 of 4 stars; one submission).

Conditions:
DYRK1B-related disorder. Also called: DYRK1B-related condition.

Submission:

PreventionGenetics, part of Exact Sciences
Classification: Likely benign for DYRK1B-related condition. Last evaluated: 2022-01-27. Review status: no assertion criteria provided. Collection method: clinical testing. Allele origin: germline.
Comment: This variant is classified as likely benign based on ACMG/AMP sequence variant interpretation guidelines (Richards et al. 2015 PMID: 25741868, with internal and published modifications).